The following is an entry in ClinVar:

ClinVar aggregate classification (germline): Pathogenic (1 of 4 stars; one submission).

Conditions:
Familial thoracic aortic aneurysm and aortic dissection (TAAD). Also called: Thoracic aortic aneurysms and dissections. Identifiers: Orphanet 91387, MedGen C4707243, MONDO:0019625.
Marfan syndrome (MFS). Also called: MARFAN SYNDROME, TYPE I; Marfan syndrome type 1; Marfan's syndrome; Marfan syndrome, classic; FBN1-Related Marfan Syndrome. Identifiers: Orphanet 284963, Orphanet 558, MedGen C0024796, MONDO:0007947, OMIM 154700.

Submission:

Labcorp Genetics (formerly Invitae), Labcorp
Classification: Pathogenic for Marfan syndrome; Familial thoracic aortic aneurysm and aortic dissection. Last evaluated: 2022-01-03. Review status: criteria provided, single submitter. Criteria: Invitae Variant Classification Sherloc (09022015). Collection method: clinical testing. Allele origin: germline.
Comment: This sequence change creates a premature translational stop signal (p.Cys1166*) in the FBN1 gene. It is expected to result in an absent or disrupted protein product. Loss-of-function variants in FBN1 are known to be pathogenic (PMID: 17657824, 19293843). This variant is not present in population databases (gnomAD no frequency). This variant has not been reported in the literature in individuals affected with FBN1-related conditions. For these reasons, this variant has been classified as Pathogenic.

Literature cited by the submitters: PubMed 17657824; PubMed 19293843.

NM_000138.5(FBN1):c.3498C>A (p.Cys1166Ter)

Gene: FBN1 (fibrillin 1; minus strand). Cytogenetic location: 15q21.1.
Variant type: single nucleotide variant.
Coding change: c.3498C>A on transcript NM_000138.5 (MANE Select); coding-DNA position 3498, C replaced by A.
Protein change: p.Cys1166Ter; replaces cysteine 1166 with a stop codon.
Molecular consequence: nonsense.
Genome position (GRCh38, 1-based): chr15:48,487,166, G>T on the plus strand (C>A on the coding strand, the complement: FBN1 is on the minus strand). VCF-style: chr15-48487166-G-T. GRCh37 (hg19) VCF-style: chr15-48779363-G-T.
Other names: c.3498C>A, p.Cys1166Ter (NM_001406716.1); short protein forms C1166*.
Identifiers: ClinVar variation 2071708 (VCV002071708.4), dbSNP rs2505549451, ClinGen allele CA392325249.